The following is an entry in ClinVar:

ClinVar aggregate classification (germline): Uncertain significance (1 of 4 stars; one submission).

Conditions:
Hypertrophic cardiomyopathy. Also called: HYPERTROPHIC MYOCARDIOPATHY. Identifiers: Orphanet 217569, MedGen C0007194, MeSH D002312, MONDO:0005045, HP:0001639.

Submission:

Labcorp Genetics (formerly Invitae), Labcorp
Classification: Uncertain significance for Hypertrophic cardiomyopathy. Last evaluated: 2025-09-02. Review status: criteria provided, single submitter. Criteria: Invitae Variant Classification Sherloc (09022015). Collection method: clinical testing. Allele origin: germline.
Comment: This variant, c.3485_3488delinsTCTC, is a complex sequence change that results in the deletion of 2 and insertion of 2 amino acid(s) in the MYH7 protein (p.Glu1162_Met1163delinsValSer). Information on the frequency of this variant in the gnomAD database is not available, as this variant may be reported differently in the database. This variant has not been reported in the literature in individuals affected with MYH7-related conditions. Experimental studies and prediction algorithms are not available or were not evaluated, and the functional significance of this variant is currently unknown. In summary, the available evidence is currently insufficient to determine the role of this variant in disease. Therefore, it has been classified as a Variant of Uncertain Significance.

NM_000257.4(MYH7):c.3485_3488delinsTCTC (p.Glu1162_Met1163delinsValSer)

Gene: MYH7 (myosin heavy chain 7; minus strand). Cytogenetic location: 14q11.2.
Variant type: Indel.
Coding change: c.3485_3488delinsTCTC on transcript NM_000257.4 (MANE Select); coding-DNA positions 3485 to 3488, AGAT replaced by TCTC.
Protein change: p.Glu1162_Met1163delinsValSer.
Molecular consequence: missense variant.
Genome position (GRCh38, 1-based): chr14:23,420,083-23,420,086, ATCT replaced by GAGA on the plus strand (AGAT replaced by TCTC on the coding strand, the reverse complement: MYH7 is on the minus strand). VCF-style: chr14-23420083-ATCT-GAGA. GRCh37 (hg19) VCF-style: chr14-23889292-ATCT-GAGA.
Other names: c.3485_3488delinsTCTC, p.Glu1162_Met1163delinsValSer (NM_001407004.1).
Identifiers: ClinVar variation 4726519 (VCV004726519.1).